The following is an entry in ClinVar:

ClinVar aggregate classification (germline): Uncertain significance (1 of 4 stars; one submission).

Conditions:
Hereditary cancer-predisposing syndrome. Also called: Tumor predisposition; Hereditary Cancer Syndrome; Hereditary neoplastic syndrome; Neoplastic Syndromes, Hereditary. Identifiers: Orphanet 140162, MedGen C0027672, MeSH D009386, MONDO:0015356.

gnomAD v4.1: 1 of 1,613,734 alleles (0.000062%); highest among the groups gnomAD compares: South Asian, 0.0011%; no homozygotes.

Submission:

Ambry Genetics
Classification: Uncertain significance for Hereditary cancer-predisposing syndrome. Last evaluated: 2024-04-22. Review status: criteria provided, single submitter. Criteria: Ambry Variant Classification Scheme 2023. Collection method: clinical testing. Allele origin: germline.
Comment: The p.K652I variant (also known as c.1955A>T), located in coding exon 11 of the DICER1 gene, results from an A to T substitution at nucleotide position 1955. The lysine at codon 652 is replaced by isoleucine, an amino acid with dissimilar properties. This amino acid position is conserved. In addition, the in silico prediction for this alteration is inconclusive. Based on the available evidence, the clinical significance of this variant remains unclear.

NM_177438.3(DICER1):c.1955A>T (p.Lys652Ile)

Gene: DICER1 (dicer 1, ribonuclease III; minus strand). Cytogenetic location: 14q32.13.
Variant type: single nucleotide variant.
Coding change: c.1955A>T on transcript NM_177438.3 (MANE Select); coding-DNA position 1955, A replaced by T.
Protein change: p.Lys652Ile; replaces lysine 652 with isoleucine.
Molecular consequence: missense variant. On other transcripts: non-coding transcript variant (6).
Genome position (GRCh38, 1-based): chr14:95,113,177, T>A on the plus strand (A>T on the coding strand, the complement: DICER1 is on the minus strand). VCF-style: chr14-95113177-T-A. GRCh37 (hg19) VCF-style: chr14-95579514-T-A.
Other names: c.1955A>T, p.Lys652Ile (NM_001395677.1, NM_001395678.1, NM_001395683.1 and 12 more transcripts); c.1550A>T, p.Lys517Ile (NM_001395687.1, NM_001395688.1, NM_001395689.1 and 3 more transcripts); c.1673A>T, p.Lys558Ile (NM_001395686.1); c.1388A>T, p.Lys463Ile (NM_001395691.1); c.272A>T, p.Lys91Ile (NM_001395697.1); short protein forms K91I, K463I, K558I, K652I, K517I.
Identifiers: ClinVar variation 3272013 (VCV003272013.1).